The following is an entry in ClinVar:

ClinVar aggregate classification (germline): Uncertain significance. Review status: criteria provided, multiple submitters, no conflicts (2 of 4 stars). 2 submissions from 2 submitters: Uncertain significance (2). Last evaluated 2024-02-24.

Allele frequency attached by ClinVar (database versions not stated): gnomAD exomes below 0.00001 and 0.00001; TOPMed below 0.00001.
gnomAD v4.1: 12 of 1,614,156 alleles (0.00074%); highest among the groups gnomAD compares: East Asian, 0.0022%; no homozygotes.

Submissions (2):

Labcorp Genetics (formerly Invitae), Labcorp
Classification: Uncertain significance. Last evaluated: 2024-02-24. Review status: criteria provided, single submitter. Criteria: Invitae Variant Classification Sherloc (09022015). Collection method: clinical testing. Allele origin: germline.
Comment: This sequence change replaces arginine, which is basic and polar, with histidine, which is basic and polar, at codon 436 of the SNRNP200 protein (p.Arg436His). The frequency data for this variant in the population databases is considered unreliable, as metrics indicate poor data quality at this position in the gnomAD database. This variant has not been reported in the literature in individuals affected with SNRNP200-related conditions. ClinVar contains an entry for this variant (Variation ID: 1400745). Advanced modeling of protein sequence and biophysical properties (such as structural, functional, and spatial information, amino acid conservation, physicochemical variation, residue mobility, and thermodynamic stability) performed at Invitae indicates that this missense variant is expected to disrupt SNRNP200 protein function with a positive predictive value of 80%. In summary, the available evidence is currently insufficient to determine the role of this variant in disease. Therefore, it has been classified as a Variant of Uncertain Significance.

Blueprint Genetics
Classification: Uncertain significance. Last evaluated: 2019-09-23. Review status: criteria provided, single submitter. Criteria: ACMG Guidelines, 2015. Collection method: clinical testing. Allele origin: germline.

NM_014014.5(SNRNP200):c.1307G>A (p.Arg436His)

Gene: SNRNP200 (small nuclear ribonucleoprotein U5 subunit 200; minus strand). Cytogenetic location: 2q11.2.
Variant type: single nucleotide variant.
Coding change: c.1307G>A on transcript NM_014014.5 (MANE Select); coding-DNA position 1307, G replaced by A.
Protein change: p.Arg436His; replaces arginine 436 with histidine.
Molecular consequence: missense variant.
Genome position (GRCh38, 1-based): chr2:96,297,433, C>T on the plus strand (G>A on the coding strand, the complement: SNRNP200 is on the minus strand). VCF-style: chr2-96297433-C-T. GRCh37 (hg19) VCF-style: chr2-96963171-C-T.
Other names: short protein forms R436H.
Identifiers: ClinVar variation 1400745 (VCV001400745.7), dbSNP rs1322412557, ClinGen allele CA347683234.